The following is an entry in ClinVar:

ClinVar aggregate classification (germline): Uncertain significance (1 of 4 stars; one submission).

Submission:

GeneDx
Classification: Uncertain significance. Last evaluated: 2025-06-17. Review status: criteria provided, single submitter. Criteria: GeneDx Variant Classification Process June 2021. Collection method: clinical testing. Allele origin: germline. Affected: yes.
Comment: Not observed at significant frequency in large population cohorts (gnomAD); In silico analysis supports that this missense variant has a deleterious effect on protein structure/function; Has not been previously published as pathogenic or benign to our knowledge

NM_021072.4(HCN1):c.1895T>A (p.Met632Lys)

Gene: HCN1 (hyperpolarization activated cyclic nucleotide gated potassium channel 1; minus strand). Cytogenetic location: 5p12.
Variant type: single nucleotide variant.
Coding change: c.1895T>A on transcript NM_021072.4 (MANE Select); coding-DNA position 1895, T replaced by A.
Protein change: p.Met632Lys; replaces methionine 632 with lysine.
Molecular consequence: missense variant.
Genome position (GRCh38, 1-based): chr5:45,262,699, A>T on the plus strand (T>A on the coding strand, the complement: HCN1 is on the minus strand). VCF-style: chr5-45262699-A-T. GRCh37 (hg19) VCF-style: chr5-45262801-A-T.
Other names: short protein forms M632K.
Identifiers: ClinVar variation 4538928 (VCV004538928.1).